The following is an entry in ClinVar:

ClinVar aggregate classification (germline): Pathogenic/Likely pathogenic. Review status: criteria provided, multiple submitters, no conflicts (2 of 4 stars). 2 submissions from 2 submitters: Pathogenic (1); Likely pathogenic (1). Last evaluated 2025-12-23.

Conditions:
Multiple endocrine neoplasia, type 1 (MEN1). Also called: MEN I; WERMER SYNDROME; Endocrine adenomatosis multiple; MEN 1; MEA I. Identifiers: Orphanet 652, MedGen C0025267, MeSH D018761, MONDO:0007540, OMIM 131100.

Submissions (2):

Labcorp Genetics (formerly Invitae), Labcorp
Classification: Pathogenic for Multiple endocrine neoplasia, type 1. Last evaluated: 2025-12-23. Review status: criteria provided, single submitter. Criteria: Invitae Variant Classification Sherloc (09022015). Collection method: clinical testing. Allele origin: germline.
Comment: This sequence change replaces leucine, which is neutral and non-polar, with proline, which is neutral and non-polar, at codon 579 of the MEN1 protein (p.Leu579Pro). This variant is not present in population databases (gnomAD no frequency). This missense change has been observed in individuals with clinical features of MEN1-related disorders (PMID: 16563611). ClinVar contains an entry for this variant (Variation ID: 3256510). Invitae Evidence Modeling of protein sequence and biophysical properties (such as structural, functional, and spatial information, amino acid conservation, physicochemical variation, residue mobility, and thermodynamic stability) indicates that this missense variant is expected to disrupt MEN1 protein function with a positive predictive value of 95%. For these reasons, this variant has been classified as Pathogenic.

Center for Genomic Medicine, Rigshospitalet, Copenhagen University Hospital
Classification: Likely pathogenic. Last evaluated: 2025-03-04. Review status: criteria provided, single submitter. Criteria: ACMG Guidelines, 2015. Collection method: clinical testing. Allele origin: germline.

Literature cited by the submitters: PubMed 16563611 (cited by Labcorp Genetics (formerly Invitae), Labcorp and Center for Genomic Medicine, Rigshospitalet, Copenhagen University Hospital); PubMed 30186640 (cited by Center for Genomic Medicine, Rigshospitalet, Copenhagen University Hospital).

NM_001370259.2(MEN1):c.1736T>C (p.Leu579Pro)

Gene: MEN1 (menin 1; minus strand). Cytogenetic location: 11q13.1.
Variant type: single nucleotide variant.
Coding change: c.1736T>C on transcript NM_001370259.2 (MANE Select); coding-DNA position 1736, T replaced by C.
Protein change: p.Leu579Pro; replaces leucine 579 with proline.
Molecular consequence: missense variant. On other transcripts: non-coding transcript variant (4).
Genome position (GRCh38, 1-based): chr11:64,804,431, A>G on the plus strand (T>C on the coding strand, the complement: MEN1 is on the minus strand). VCF-style: chr11-64804431-A-G. GRCh37 (hg19) VCF-style: chr11-64571903-A-G.
Other names: c.1751T>C, p.Leu584Pro (NM_000244.4, NM_001407145.1, NM_130800.3 and 4 more transcripts); c.1862T>C, p.Leu621Pro (NM_001370251.2, NM_001407142.1, NM_001407143.1 and 1 more transcripts); c.1736T>C, p.Leu579Pro (NM_001370260.2, NM_001370261.2, NM_001407146.1 and 2 more transcripts); c.1631T>C, p.Leu544Pro (NM_001370262.2, NM_001370263.2, NM_001407148.1 and 1 more transcripts); c.1877T>C, p.Leu626Pro (NM_001407150.1); c.1757T>C, p.Leu586Pro (NM_001407151.1); c.1571T>C, p.Leu524Pro (NM_001407152.1); short protein forms L524P, L544P, L579P, L584P, L586P, L621P, L626P.
Identifiers: ClinVar variation 3256510 (VCV003256510.3).